The following is an entry in ClinVar:

ClinVar aggregate classification (germline): Likely benign. Review status: criteria provided, single submitter (1 of 4 stars). 2 submissions from 2 submitters: Likely benign (1). 1 of the submissions does not count toward it. Last evaluated 2023-11-14.

Conditions:
Treacher Collins syndrome 1 (TCS1). Also called: TCOF1-Related Treacher Collins Syndrome. Identifiers: Orphanet 861, MedGen CN315775, MONDO:0007944, OMIM 154500.
TCOF1-related disorder. Also called: TCOF1-related condition.

Allele frequency attached by ClinVar (database versions not stated): ExAC 0.00006; TOPMed 0.00007; gnomAD 0.00009; gnomAD exomes 0.00011.
gnomAD v4.1: 170 of 1,614,004 alleles (0.011%); highest among the groups gnomAD compares: Non-Finnish European, 0.011%; no homozygotes.

Submissions (2):

Labcorp Genetics (formerly Invitae), Labcorp
Classification: Likely benign for Treacher Collins syndrome 1. Last evaluated: 2023-11-14. Review status: criteria provided, single submitter. Criteria: Invitae Variant Classification Sherloc (09022015). Collection method: clinical testing. Allele origin: germline.

PreventionGenetics, part of Exact Sciences
Classification: Likely benign for TCOF1-related condition. Last evaluated: 2020-07-28. Review status: no assertion criteria provided. Collection method: clinical testing. Allele origin: germline. Not counted in ClinVar's aggregate classification.
Comment: This variant is classified as likely benign based on ACMG/AMP sequence variant interpretation guidelines (Richards et al. 2015 PMID: 25741868, with internal and published modifications).

NM_001371623.1(TCOF1):c.566-10C>T

Gene: TCOF1 (treacle ribosome biogenesis factor 1; plus strand). Cytogenetic location: 5q32.
Variant type: single nucleotide variant.
Coding change: c.566-10C>T on transcript NM_001371623.1 (MANE Select); 10 bases into the intron before coding-DNA position 566, C replaced by T.
Molecular consequence: intron variant.
Genome position (GRCh38, 1-based): chr5:150,369,519, C>T. VCF-style: chr5-150369519-C-T. GRCh37 (hg19) VCF-style: chr5-149749082-C-T.
Other names: c.566-10C>T (NM_001135243.2, NM_001135244.2, NM_001195141.2 and 4 more transcripts).
Identifiers: ClinVar variation 2716818 (VCV002716818.5), dbSNP rs750736262, ClinGen allele CA3510599.